The following is an entry in ClinVar:

NM_000053.4(ATP7B):c.1233A>C (p.Glu411Asp)

Gene: ATP7B (ATPase copper transporting beta; minus strand). Cytogenetic location: 13q14.3.
Variant type: single nucleotide variant.
Coding change: c.1233A>C on transcript NM_000053.4 (MANE Select); coding-DNA position 1233, A replaced by C.
Protein change: p.Glu411Asp; replaces glutamic acid 411 with aspartic acid.
Molecular consequence: missense variant.
Genome position (GRCh38, 1-based): chr13:51,973,987, T>G on the plus strand (A>C on the coding strand, the complement: ATP7B is on the minus strand). VCF-style: chr13-51973987-T-G. GRCh37 (hg19) VCF-style: chr13-52548123-T-G.
Other names: c.1233A>C, p.Glu411Asp (NM_001005918.3, NM_001330578.2, NM_001330579.2); c.900A>C, p.Glu300Asp (NM_001243182.2); short protein forms E300D, E411D.
Identifiers: ClinVar variation 1504999 (VCV001504999.8), dbSNP rs2140067189, ClinGen allele CA388038233.
Genomic context (GRCh38, chr13:51,973,987, plus strand): 5'-CTACGTACCAGAAACGACTGAAGCCTCAAATCCCATGTCTTCTATAGCAGCTCTGAGTTC[T>G]TCTGGGCTAATTACAGAGGGATTATAAAGAACTGTTGCAGTCCCTTCGGCCAAAGACACC-3'
Protein context (NP_000044.2, residues 401-421): VLYNPSVISP[Glu411Asp]ELRAAIEDMG

ClinVar aggregate classification (germline): Uncertain significance (1 of 4 stars; one submission).

Conditions:
Wilson disease (WND). Also called: Wilson's disease. Identifiers: Orphanet 905, MedGen C0019202, MONDO:0010200, OMIM 277900. Disease mechanism: loss of function.

Submission:

Labcorp Genetics (formerly Invitae), Labcorp
Classification: Uncertain significance for Wilson disease. Last evaluated: 2024-01-24. Review status: criteria provided, single submitter. Criteria: Invitae Variant Classification Sherloc (09022015). Collection method: clinical testing. Allele origin: germline.
Comment: This sequence change replaces glutamic acid, which is acidic and polar, with aspartic acid, which is acidic and polar, at codon 411 of the ATP7B protein (p.Glu411Asp). This variant is not present in population databases (gnomAD no frequency). This variant has not been reported in the literature in individuals affected with ATP7B-related conditions. ClinVar contains an entry for this variant (Variation ID: 1504999). Advanced modeling of protein sequence and biophysical properties (such as structural, functional, and spatial information, amino acid conservation, physicochemical variation, residue mobility, and thermodynamic stability) performed at Invitae indicates that this missense variant is not expected to disrupt ATP7B protein function with a negative predictive value of 80%. In summary, the available evidence is currently insufficient to determine the role of this variant in disease. Therefore, it has been classified as a Variant of Uncertain Significance.